The following is an entry in ClinVar:

NM_001999.4(FBN2):c.2356A>C (p.Asn786His)

Gene: FBN2 (fibrillin 2; minus strand). Cytogenetic location: 5q23.3.
Variant type: single nucleotide variant.
Coding change: c.2356A>C on transcript NM_001999.4 (MANE Select); coding-DNA position 2356, A replaced by C.
Protein change: p.Asn786His; replaces asparagine 786 with histidine.
Molecular consequence: missense variant.
Genome position (GRCh38, 1-based): chr5:128,364,672, T>G on the plus strand (A>C on the coding strand, the complement: FBN2 is on the minus strand). VCF-style: chr5-128364672-T-G. GRCh37 (hg19) VCF-style: chr5-127700365-T-G.
Other names: short protein forms N786H.
Identifiers: ClinVar variation 2758650 (VCV002758650.3), dbSNP rs2479346451, ClinGen allele CA360768355.

ClinVar aggregate classification (germline): Uncertain significance (1 of 4 stars; one submission).

Conditions:
Congenital contractural arachnodactyly (CCA). Also called: BEALS SYNDROME; Beals-Hecht syndrome; Arthrogryposis, distal, type 9. Identifiers: Orphanet 115, MedGen C0220668, MONDO:0007363, OMIM 121050.

Allele frequency attached by ClinVar (database versions not stated): gnomAD exomes below 0.00001.
gnomAD v4.1: 1 of 1,613,466 alleles (0.000062%); highest among the groups gnomAD compares: Non-Finnish European, 0.000085%; no homozygotes.

Submission:

Labcorp Genetics (formerly Invitae), Labcorp
Classification: Uncertain significance for Congenital contractural arachnodactyly. Last evaluated: 2023-06-03. Review status: criteria provided, single submitter. Criteria: Invitae Variant Classification Sherloc (09022015). Collection method: clinical testing. Allele origin: germline.
Comment: This variant has not been reported in the literature in individuals affected with FBN2-related conditions. In summary, the available evidence is currently insufficient to determine the role of this variant in disease. Therefore, it has been classified as a Variant of Uncertain Significance. Advanced modeling of protein sequence and biophysical properties (such as structural, functional, and spatial information, amino acid conservation, physicochemical variation, residue mobility, and thermodynamic stability) performed at Invitae indicates that this missense variant is expected to disrupt FBN2 protein function. This variant is not present in population databases (gnomAD no frequency). This sequence change replaces asparagine, which is neutral and polar, with histidine, which is basic and polar, at codon 786 of the FBN2 protein (p.Asn786His).